The following is an entry in ClinVar:

NM_000168.6(GLI3):c.2624G>A (p.Arg875His)

Gene: GLI3 (GLI family zinc finger 3; minus strand). Cytogenetic location: 7p14.1.
Variant type: single nucleotide variant.
Coding change: c.2624G>A on transcript NM_000168.6 (MANE Select); coding-DNA position 2624, G replaced by A.
Protein change: p.Arg875His; replaces arginine 875 with histidine.
Molecular consequence: missense variant.
Genome position (GRCh38, 1-based): chr7:41,966,449, C>T on the plus strand (G>A on the coding strand, the complement: GLI3 is on the minus strand). VCF-style: chr7-41966449-C-T. GRCh37 (hg19) VCF-style: chr7-42006047-C-T.
Other names: short protein forms R875H.
Identifiers: ClinVar variation 3756506 (VCV003756506.2).
Genomic context (GRCh38, chr7:41,966,449, plus strand): 5'-TAGGAGTCGGCCACGCTCACGTTCTGCGGCCGGCCCTCGGCCTGTGACGCCTCGCTGGAG[C>T]GGCGGCTGGAGAAGCAGGGCGAGATCCCTGAGGAGCGGCGGCTGCTCAGGTAGGCCGAGC-3'
Protein context (NP_000159.3, residues 865-885): SGISPCFSSR[Arg875His]SSEASQAEGR

ClinVar aggregate classification (germline): Uncertain significance (1 of 4 stars; one submission).

Conditions:
Pallister-Hall syndrome (PHS). Also called: HYPOTHALAMIC HAMARTOBLASTOMA, HYPOPITUITARISM, IMPERFORATE ANUS, AND POSTAXIAL POLYDACTYLY; GLI3-Related Pallister-Hall Syndrome. Identifiers: Orphanet 672, MedGen C0265220, MONDO:0007804, OMIM 146510.
Greig cephalopolysyndactyly syndrome (GCPS). Also called: GLI3-Related Greig Cephalopolysyndactyly Syndrome; POLYSYNDACTYLY WITH PECULIAR SKULL SHAPE; Greig syndrome. Identifiers: Orphanet 380, MedGen C0265306, MONDO:0008287, OMIM 175700.

Submission:

Labcorp Genetics (formerly Invitae), Labcorp
Classification: Uncertain significance for Pallister-Hall syndrome; Greig cephalopolysyndactyly syndrome. Last evaluated: 2024-05-23. Review status: criteria provided, single submitter. Criteria: Invitae Variant Classification Sherloc (09022015). Collection method: clinical testing. Allele origin: germline.
Comment: This sequence change replaces arginine, which is basic and polar, with histidine, which is basic and polar, at codon 875 of the GLI3 protein (p.Arg875His). This variant is not present in population databases (gnomAD no frequency). This variant has not been reported in the literature in individuals affected with GLI3-related conditions. Advanced modeling of protein sequence and biophysical properties (such as structural, functional, and spatial information, amino acid conservation, physicochemical variation, residue mobility, and thermodynamic stability) performed at Invitae indicates that this missense variant is expected to disrupt GLI3 protein function with a positive predictive value of 80%. In summary, the available evidence is currently insufficient to determine the role of this variant in disease. Therefore, it has been classified as a Variant of Uncertain Significance.